The following is an entry in ClinVar:

ClinVar aggregate classification (germline): Uncertain significance (1 of 4 stars; one submission).

Submission:

Women's Health and Genetics/Laboratory Corporation of America, LabCorp
Classification: Uncertain significance. Last evaluated: 2023-06-21. Review status: criteria provided, single submitter. Criteria: LabCorp Variant Classification Summary - May 2015. Collection method: clinical testing. Allele origin: germline.
Comment: Variant summary: ETFDH c.1774T>C (p.Cys592Arg) results in a non-conservative amino acid change located in the 4Fe-4S ferredoxin-type, iron-sulphur binding domain (IPR017896) of the encoded protein sequence. Five of five in-silico tools predict a damaging effect of the variant on protein function. The variant was absent in 251388 control chromosomes. The available data on variant occurrences in the general population are insufficient to allow any conclusion about variant significance. c.1774T>C has been reported in the literature in individuals affected with Glutaric Aciduria, Type 2c (Yotsumoto_2008). These data do not allow any conclusion about variant significance. To our knowledge, no experimental evidence demonstrating an impact on protein function has been reported. The following publications have been ascertained in the context of this evaluation (PMID: 19208393, 18289905, 31904027). No submitters have cited clinical-significance assessments for this variant to ClinVar after 2014. Based on the evidence outlined above, the variant was classified as uncertain significance.

Literature cited by the submitters: PubMed 31904027; PubMed 19208393; PubMed 18289905.

NM_004453.4(ETFDH):c.1774T>C (p.Cys592Arg)

Gene: ETFDH (electron transfer flavoprotein dehydrogenase; plus strand). Cytogenetic location: 4q32.1.
Variant type: single nucleotide variant.
Coding change: c.1774T>C on transcript NM_004453.4 (MANE Select); coding-DNA position 1774, T replaced by C.
Protein change: p.Cys592Arg; replaces cysteine 592 with arginine.
Molecular consequence: missense variant.
Genome position (GRCh38, 1-based): chr4:158,708,447, T>C. VCF-style: chr4-158708447-T-C. GRCh37 (hg19) VCF-style: chr4-159629599-T-C.
Other names: c.1633T>C, p.Cys545Arg (NM_001281737.2); c.1591T>C, p.Cys531Arg (NM_001281738.1); short protein forms C531R, C545R, C592R.
Identifiers: ClinVar variation 2573526 (VCV002573526.1), dbSNP rs2476741476, ClinGen allele CA358566700.
Genomic context (GRCh38, chr4:158,708,447, plus strand): 5'-GAACAAGGTGATGGATTTCGGTTACAGATAAATGCTCAGAACTGTGTACATTGTAAAACA[T>C]GTGATATTAAAGATCCAAGTCAGAATATTAACTGGGTGGTACCTGAAGGTGGAGGAGGAC-3'
Protein context (NP_004444.2, residues 582-602): NAQNCVHCKT[Cys592Arg]DIKDPSQNIN